The following is an entry in ClinVar:

ClinVar aggregate classification (germline): Uncertain significance. Review status: criteria provided, multiple submitters, no conflicts (2 of 4 stars). 4 submissions from 4 submitters: Uncertain significance (3). 1 of the submissions does not count toward it. Last evaluated 2025-09-22.

Conditions:
Fanconi anemia complementation group Q. Identifiers: Orphanet 84, MedGen C3808988, MONDO:0014108, OMIM 615272.
Xeroderma pigmentosum, group F (XPF). Also called: XERODERMA PIGMENTOSUM VI; XP, GROUP F; XERODERMA PIGMENTOSUM, TYPE F; Xeroderma pigmentosum, type 6; XERODERMA PIGMENTOSUM, COMPLEMENTATION GROUP F; ERCC4-Related Xeroderma Pigmentosum. Identifiers: MedGen C0268140, MONDO:0010215, OMIM 278760.
Cockayne syndrome. Identifiers: Orphanet 191, MedGen C0009207, MONDO:0016006.
XFE progeroid syndrome (XFEPS). Also called: XPF-ERCC1 PROGEROID SYNDROME. Identifiers: MedGen C1970416, MONDO:0012590, OMIM 610965.

Allele frequency attached by ClinVar (database versions not stated): gnomAD exomes 0.00001 and 0.00004; gnomAD 0.00002 and 0.00003; TOPMed 0.00003; ExAC 0.00005.

Submissions (4):

Labcorp Genetics (formerly Invitae), Labcorp
Classification: Uncertain significance for Fanconi anemia complementation group Q; Xeroderma pigmentosum, group F; Cockayne syndrome. Last evaluated: 2025-09-22. Review status: criteria provided, single submitter. Criteria: Invitae Variant Classification Sherloc (09022015). Collection method: clinical testing. Allele origin: germline.
Comment: This sequence change replaces arginine, which is basic and polar, with cysteine, which is neutral and slightly polar, at codon 86 of the ERCC4 protein (p.Arg86Cys). This variant is present in population databases (rs769932063, gnomAD 0.01%). This variant has not been reported in the literature in individuals affected with ERCC4-related conditions. ClinVar contains an entry for this variant (Variation ID: 1049608). Invitae Evidence Modeling of protein sequence and biophysical properties (such as structural, functional, and spatial information, amino acid conservation, physicochemical variation, residue mobility, and thermodynamic stability) indicates that this missense variant is expected to disrupt ERCC4 protein function with a positive predictive value of 80%. In summary, the available evidence is currently insufficient to determine the role of this variant in disease. Therefore, it has been classified as a Variant of Uncertain Significance.

Fulgent Genetics
Classification: Uncertain significance for Xeroderma pigmentosum, group F; XFE progeroid syndrome; Fanconi anemia complementation group Q. Last evaluated: 2024-03-07. Review status: criteria provided, single submitter. Criteria: ACMG Guidelines, 2015. Collection method: clinical testing. Allele origin: germline.

Institute for Clinical Genetics, University Hospital TU Dresden, University Hospital TU Dresden
Classification: Uncertain significance. Last evaluated: 2021-11-03. Review status: criteria provided, single submitter. Criteria: ACMG Guidelines, 2015. Collection method: clinical testing. Allele origin: germline.

Department of Pathology and Laboratory Medicine, Sinai Health System
Classification: Uncertain significance. Review status: no assertion criteria provided. Collection method: clinical testing. Allele origin: unknown. Affected: yes. Study: The Canadian Open Genetics Repository (COGR). Not counted in ClinVar's aggregate classification.
Comment: The ERCC4 p.Arg86Cys variant was not identified in the literature nor was it identified in ClinVar, Cosmic or LOVD 3.0. The variant was identified in dbSNP (ID: rs769932063) and in control databases in 9 of 251278 chromosomes at a frequency of 0.00003582 (Genome Aggregation Database March 6, 2019, v2.1.1). The variant was observed in the following populations: East Asian in 2 of 18394 chromosomes (freq: 0.000109), South Asian in 2 of 30580 chromosomes (freq: 0.000065), African in 1 of 16252 chromosomes (freq: 0.000062) and European (non-Finnish) in 4 of 113652 chromosomes (freq: 0.000035), but was not observed in the Latino, Ashkenazi Jewish, European (Finnish), or Other populations. The p.Arg86 residue is not conserved in mammals and computational analyses (PolyPhen-2, SIFT, AlignGVGD, BLOSUM, MutationTaster) provide inconsistent predictions regarding the impact to the protein; this information is not very predictive of pathogenicity. The variant occurs outside of the splicing consensus sequence and in silico or computational prediction software programs (SpliceSiteFinder, MaxEntScan, NNSPLICE, GeneSplicer) do not predict a difference in splicing. In summary, based on the above information the clinical significance of this variant cannot be determined with certainty at this time. This variant is classified as a variant of uncertain significance.

NM_005236.3(ERCC4):c.256C>T (p.Arg86Cys)

Gene: ERCC4 (ERCC excision repair 4, endonuclease catalytic subunit; plus strand). Cytogenetic location: 16p13.12.
Variant type: single nucleotide variant.
Coding change: c.256C>T on transcript NM_005236.3 (MANE Select); coding-DNA position 256, C replaced by T.
Protein change: p.Arg86Cys; replaces arginine 86 with cysteine.
Molecular consequence: missense variant.
Genome position (GRCh38, 1-based): chr16:13,922,079, C>T. VCF-style: chr16-13922079-C-T. GRCh37 (hg19) VCF-style: chr16-14015936-C-T.
Other names: short protein forms R86C.
Identifiers: ClinVar variation 1049608 (VCV001049608.8), dbSNP rs769932063, ClinGen allele CA7910139.
Genomic context (GRCh38, chr16:13,922,079, plus strand): 5'-GATTTGATTTAGGAGTATTTTATCAATCAGCTGAAGATAGAAGGAGTTGAACACCTCCCT[C>T]GCCGTGTAACAAATGAAATCACAAGCAACAGTCGCTATGAAGTTTACACACAAGGTGGTG-3'
Protein context (NP_005227.1, residues 76-96): LKIEGVEHLP[Arg86Cys]RVTNEITSNS